The following is an entry in ClinVar:

NM_001458.5(FLNC):c.2911G>A (p.Val971Ile)

Gene: FLNC (filamin C; plus strand). Cytogenetic location: 7q32.1.
Variant type: single nucleotide variant.
Coding change: c.2911G>A on transcript NM_001458.5 (MANE Select); coding-DNA position 2911, G replaced by A.
Protein change: p.Val971Ile; replaces valine 971 with isoleucine.
Molecular consequence: missense variant.
Genome position (GRCh38, 1-based): chr7:128,843,895, G>A. VCF-style: chr7-128843895-G-A. GRCh37 (hg19) VCF-style: chr7-128483949-G-A.
Other names: c.2911G>A, p.Val971Ile (NM_001127487.2); c.2911G>A (NM_001458.4); short protein forms V971I.
Identifiers: ClinVar variation 1478395 (VCV001478395.10), dbSNP rs548199973, ClinGen allele CA4474895.
Genomic context (GRCh38, chr7:128,843,895, plus strand): 5'-GTCCCCAAGAGCCCCTTTGTGGTGAATGTGGCACCCCCGCTGGACCTCAGCAAAATCAAA[G>A]TTCAGGGCCTTAATAGCAGTAAGTGGGGCAAGAGCCACCCTGGGAGTGAGGGGTATTCGG-3'
Protein context (NP_001449.3, residues 961-981): APPLDLSKIK[Val971Ile]QGLNSKVAVG

ClinVar aggregate classification (germline): Conflicting classifications of pathogenicity. Review status: criteria provided, conflicting classifications (1 of 4 stars). 4 submissions from 4 submitters: Uncertain significance (3); Likely benign (1). Last evaluated 2026-02-09.

Conditions:
Myofibrillar myopathy 5. Also called: Filaminopathy (type); FILAMINOPATHY, AUTOSOMAL DOMINANT. Identifiers: Orphanet 171445, MedGen C1836050, MONDO:0012289, OMIM 609524.
Hypertrophic cardiomyopathy 26. Also called: Cardiomyopathy, familial hypertrophic, 26. Identifiers: Orphanet 75249, MedGen C4310749, MONDO:0014883, OMIM 617047.
Distal myopathy with posterior leg and anterior hand involvement. Also called: WILLIAMS DISTAL MYOPATHY. Identifiers: Orphanet 63273, MedGen C3279722, MONDO:0013550, OMIM 614065.
Cardiovascular phenotype. Identifiers: MedGen CN230736.

Allele frequency attached by ClinVar (database versions not stated): gnomAD exomes 0.00001; ExAC 0.00002; 1000 Genomes Project 30x 0.00016; 1000 Genomes Project 0.00020.
gnomAD v4.1: 8 of 1,614,148 alleles (0.0005%); highest among the groups gnomAD compares: African/African-American, 0.011%; no homozygotes.

Submissions (4):

Women's Health and Genetics/Laboratory Corporation of America, LabCorp
Classification: Uncertain significance. Last evaluated: 2026-02-09. Review status: criteria provided, single submitter. Criteria: LabCorp Variant Classification Summary - May 2015. Collection method: clinical testing. Allele origin: germline.

Labcorp Genetics (formerly Invitae), Labcorp
Classification: Likely benign for Distal myopathy with posterior leg and anterior hand involvement; Myofibrillar myopathy 5; Hypertrophic cardiomyopathy 26. Last evaluated: 2025-07-09. Review status: criteria provided, single submitter. Criteria: Invitae Variant Classification Sherloc (09022015). Collection method: clinical testing. Allele origin: germline.

Ambry Genetics
Classification: Uncertain significance for Cardiovascular phenotype. Last evaluated: 2023-11-30. Review status: criteria provided, single submitter. Criteria: Ambry Variant Classification Scheme 2023. Collection method: clinical testing. Allele origin: germline.
Comment: The p.V971I variant (also known as c.2911G>A), located in coding exon 19 of the FLNC gene, results from a G to A substitution at nucleotide position 2911. The valine at codon 971 is replaced by isoleucine, an amino acid with highly similar properties. This alteration has been reported in a pediatric cardiomyopathy cohort (Ware SM et al. Am J Hum Genet, 2022 Feb;109:282-298). This amino acid position is highly conserved in available vertebrate species. In addition, this alteration is predicted to be tolerated by in silico analysis. Since supporting evidence is limited at this time, the clinical significance of this alteration remains unclear.

Revvity Omics, Revvity
Classification: Uncertain significance. Last evaluated: 2021-09-17. Review status: criteria provided, single submitter. Criteria: ACMG Guidelines, 2015. Collection method: clinical testing. Allele origin: germline.

Literature cited by the submitters: PubMed 35026164 (cited by Ambry Genetics).